The following is an entry in ClinVar:

ClinVar aggregate classification (germline): Uncertain significance. Review status: criteria provided, multiple submitters, no conflicts (2 of 4 stars). 3 submissions from 3 submitters: Uncertain significance (3). Last evaluated 2025-02-19.

Conditions:
Intellectual developmental disorder, autosomal dominant 65. Also called: MENTAL RETARDATION, AUTOSOMAL DOMINANT 65. Identifiers: MedGen C5543371, MONDO:0023657, OMIM 619320.
Inborn genetic diseases. Identifiers: MedGen C0950123, MeSH D030342.

Allele frequency attached by ClinVar (database versions not stated): gnomAD exomes 0.00003; gnomAD 0.00004; ExAC 0.00005; ESP Exome Variant Server 0.00008; TOPMed 0.00011.
gnomAD v4.1: 50 of 1,573,204 alleles (0.0032%); highest among the groups gnomAD compares: Non-Finnish European, 0.0036%; no homozygotes.

Submissions (3):

Ambry Genetics
Classification: Uncertain significance for Inborn genetic diseases. Last evaluated: 2025-02-19. Review status: criteria provided, single submitter. Criteria: Ambry Variant Classification Scheme 2023. Collection method: clinical testing. Allele origin: germline.

Neuberg Centre For Genomic Medicine, NCGM
Classification: Uncertain significance for Intellectual developmental disorder, autosomal dominant 65. Last evaluated: 2023-05-20. Review status: criteria provided, single submitter. Criteria: ACMG Guidelines, 2015. Collection method: clinical testing. Allele origin: germline. Inheritance: Autosomal dominant inheritance. Affected: yes.
Comment: The observed missense variant c.1774G>A (p.Gly592Arg) in KDM4B gene has not been reported previously as a pathogenic variant nor as a benign variant, to our knowledge. The p.Gly592Arg variant has allele frequency 0.004% in gnomAD Exomes. This variant has not been submitted to the ClinVar database. Multiple lines of computational evidence (Polyphen - Benign, SIFT - Tolerated and Mutation Taster - Polymorphism) predict no damaging effect on protein structure and function for this variant. The amino acid change p.Gly592Arg in KDM4B is predicted as conserved by GERP++. The amino acid Gly at position 592 is changed to a Arg changing protein sequence and it might alter its composition and physico-chemical properties. For these reasons, this variant has been classified as Variant of Uncertain Significance (VUS).

Revvity Omics, Revvity
Classification: Uncertain significance for Intellectual developmental disorder, autosomal dominant 65. Last evaluated: 2023-05-05. Review status: criteria provided, single submitter. Criteria: ACMG Guidelines, 2015. Collection method: clinical testing. Allele origin: germline.

NM_015015.3(KDM4B):c.1774G>A (p.Gly592Arg)

Genes: KDM4B (lysine demethylase 4B; plus strand), LOC130063244 (ATAC-STARR-seq lymphoblastoid active region 13796; plus strand). Cytogenetic location: 19p13.3.
Variant type: single nucleotide variant.
Coding change: c.1774G>A on transcript NM_015015.3 (MANE Select); coding-DNA position 1774, G replaced by A.
Protein change: p.Gly592Arg; replaces glycine 592 with arginine.
Molecular consequence: missense variant.
Genome position (GRCh38, 1-based): chr19:5,131,534, G>A. VCF-style: chr19-5131534-G-A. GRCh37 (hg19) VCF-style: chr19-5131545-G-A.
Other names: c.1774G>A (NM_015015.2); c.1876G>A, p.Gly626Arg (NM_001411148.1); short protein forms G592R, G626R.
Identifiers: ClinVar variation 2689299 (VCV002689299.4), dbSNP rs371767203, ClinGen allele CA9107940.